The following is an entry in ClinVar:

ClinVar aggregate classification (germline): Uncertain significance (1 of 4 stars; one submission).

Conditions:
Arrhythmogenic right ventricular dysplasia 5. Also called: Arrhythmogenic Right Ventricular Dysplasia/Cardiomyopathy 5; ARRHYTHMOGENIC RIGHT VENTRICULAR DYSPLASIA, FAMILIAL, 5. Identifiers: MedGen C1858379, MONDO:0011459, OMIM 604400.

Submission:

Labcorp Genetics (formerly Invitae), Labcorp
Classification: Uncertain significance for Arrhythmogenic right ventricular dysplasia 5. Last evaluated: 2025-02-09. Review status: criteria provided, single submitter. Criteria: Invitae Variant Classification Sherloc (09022015). Collection method: clinical testing. Allele origin: germline.
Comment: This sequence change affects the initiator methionine of the TMEM43 mRNA. The next in-frame methionine is located at codon 36. This variant is not present in population databases (gnomAD no frequency). This variant has not been reported in the literature in individuals affected with TMEM43-related conditions. In summary, the available evidence is currently insufficient to determine the role of this variant in disease. Therefore, it has been classified as a Variant of Uncertain Significance.

NM_024334.3(TMEM43):c.1A>C (p.Met1Leu)

Gene: TMEM43 (transmembrane protein 43; plus strand). Cytogenetic location: 3p25.1.
Variant type: single nucleotide variant.
Coding change: c.1A>C on transcript NM_024334.3 (MANE Select); coding-DNA position 1, A replaced by C.
Protein change: p.Met1Leu; changes the start codon (methionine 1).
Molecular consequence: missense variant, initiator codon variant.
Genome position (GRCh38, 1-based): chr3:14,125,194, A>C. VCF-style: chr3-14125194-A-C. GRCh37 (hg19) VCF-style: chr3-14166694-A-C.
Other names: c.1A>C, p.Met1Leu (NM_001407274.1, NM_001407275.1, NM_001407276.1 and 4 more transcripts); short protein forms M1L.
Identifiers: ClinVar variation 4806615 (VCV004806615.1).